The following is an entry in ClinVar:

ClinVar aggregate classification (germline): Uncertain significance (1 of 4 stars; one submission).

Submission:

GeneDx
Classification: Uncertain significance. Last evaluated: 2022-09-21. Review status: criteria provided, single submitter. Criteria: GeneDx Variant Classification Process June 2021. Collection method: clinical testing. Allele origin: germline. Affected: yes.
Comment: Not observed at significant frequency in large population cohorts (gnomAD); In silico analysis supports that this missense variant does not alter protein structure/function; Has not been previously published as pathogenic or benign to our knowledge; Variants in candidate genes are classified as variants of uncertain significance in accordance with ACMG guidelines (Richards et al., 2015)

NM_014370.4(SRPK3):c.1049C>T (p.Thr350Ile)

Gene: SRPK3 (SRSF protein kinase 3; plus strand). Cytogenetic location: Xq28.
Variant type: single nucleotide variant.
Coding change: c.1049C>T on transcript NM_014370.4 (MANE Select); coding-DNA position 1049, C replaced by T.
Protein change: p.Thr350Ile; replaces threonine 350 with isoleucine.
Molecular consequence: missense variant. On other transcripts: intron variant (1).
Genome position (GRCh38, 1-based): chrX:153,784,115, C>T. VCF-style: chrX-153784115-C-T. GRCh37 (hg19) VCF-style: chrX-153049570-C-T.
Other names: c.1046C>T, p.Thr349Ile (NM_001170760.2); c.953-6C>T (NM_001170761.2); short protein forms T349I, T350I.
Identifiers: ClinVar variation 3600667 (VCV003600667.1).